The following is an entry in ClinVar:

ClinVar aggregate classification (germline): Uncertain significance (1 of 4 stars; one submission).

Conditions:
Hereditary sensory and autonomic neuropathy type 7. Also called: HSAN VII; Neuropathy, hereditary sensory and autonomic, type VII. Identifiers: Orphanet 391397, MedGen C3809882, MONDO:0014244, OMIM 615548.
Familial episodic pain syndrome with predominantly lower limb involvement. Also called: Episodic pain syndrome, familial, 3. Identifiers: Orphanet 391384, Orphanet 391392, MedGen C3809899, MONDO:0014247, OMIM 615552.

Allele frequency attached by ClinVar (database versions not stated): TOPMed 0.00001.

Submission:

Labcorp Genetics (formerly Invitae), Labcorp
Classification: Uncertain significance for Familial episodic pain syndrome with predominantly lower limb involvement; Hereditary sensory and autonomic neuropathy type 7. Last evaluated: 2022-06-14. Review status: criteria provided, single submitter. Criteria: Invitae Variant Classification Sherloc (09022015). Collection method: clinical testing. Allele origin: germline.
Comment: This sequence change replaces asparagine, which is neutral and polar, with serine, which is neutral and polar, at codon 1239 of the SCN11A protein (p.Asn1239Ser). In summary, the available evidence is currently insufficient to determine the role of this variant in disease. Therefore, it has been classified as a Variant of Uncertain Significance. Algorithms developed to predict the effect of missense changes on protein structure and function (SIFT, PolyPhen-2, Align-GVGD) all suggest that this variant is likely to be disruptive. This variant has not been reported in the literature in individuals affected with SCN11A-related conditions. This variant is not present in population databases (gnomAD no frequency).

NM_001349253.2(SCN11A):c.3716A>G (p.Asn1239Ser)

Genes: SCN11A (sodium voltage-gated channel alpha subunit 11; minus strand), LOC126806652 (CDK7 strongly-dependent group 2 enhancer GRCh37_chr3:38912374-38913573; plus strand). Cytogenetic location: 3p22.2.
Variant type: single nucleotide variant.
Coding change: c.3716A>G on transcript NM_001349253.2 (MANE Select); coding-DNA position 3716, A replaced by G.
Protein change: p.Asn1239Ser; replaces asparagine 1239 with serine.
Molecular consequence: missense variant.
Genome position (GRCh38, 1-based): chr3:38,871,488, T>C on the plus strand (A>G on the coding strand, the complement: SCN11A is on the minus strand). VCF-style: chr3-38871488-T-C. GRCh37 (hg19) VCF-style: chr3-38912979-T-C.
Other names: c.3716A>G, p.Asn1239Ser (NM_014139.3); short protein forms N1239S.
Identifiers: ClinVar variation 1977804 (VCV001977804.5), dbSNP rs929951489, ClinGen allele CA72979608.